The following is an entry in ClinVar:

NM_025215.6(PUS1):c.328A>T (p.Lys110Ter)

Genes: PUS1 (pseudouridine synthase 1; plus strand), LOC132090059 (Neanderthal introgressed variant-containing enhancer experimental_25941; plus strand). Cytogenetic location: 12q24.33.
Variant type: single nucleotide variant.
Coding change: c.328A>T on transcript NM_025215.6 (MANE Select); coding-DNA position 328, A replaced by T.
Protein change: p.Lys110Ter; replaces lysine 110 with a stop codon.
Molecular consequence: nonsense.
Genome position (GRCh38, 1-based): chr12:131,932,199, A>T. VCF-style: chr12-131932199-A-T. GRCh37 (hg19) VCF-style: chr12-132416744-A-T.
Other names: c.244A>T, p.Lys82Ter (NM_001002019.3, NM_001002020.3); short protein forms K110*, K82*.
Identifiers: ClinVar variation 5012637 (VCV005012637.1).

ClinVar aggregate classification (germline): Pathogenic (1 of 4 stars; one submission).

Conditions:
Myopathy, lactic acidosis, and sideroblastic anemia 1 (MLASA1). Identifiers: Orphanet 2598, MedGen C4551958, MONDO:0024553, OMIM 600462.

Submission:

Myriad Genetics, Inc.
Classification: Pathogenic for Myopathy, lactic acidosis, and sideroblastic anemia 1. Last evaluated: 2024-01-08. Review status: criteria provided, single submitter. Criteria: Myriad Autosomal Dominant, Autosomal Recessive and X-Linked Classification Criteria (2023). Collection method: clinical testing. Allele origin: unknown.
Comment: NM_025215.5(PUS1):c.328A>T(K110*) is expected to be pathogenic in the context of myopathy, lactic acidosis, and sideroblastic anemia 1. This variant is predicted to lead to an abnormal or absent protein product due to the creation of a premature termination codon in PUS1, a gene where loss-of-function variants are known to be pathogenic. Please note: this variant was assessed in the context of healthy population screening.